The following is an entry in ClinVar:

NM_001009999.3(KDM1A):c.131T>C (p.Leu44Pro)

Gene: KDM1A (lysine demethylase 1A; plus strand). Cytogenetic location: 1p36.12.
Variant type: single nucleotide variant.
Coding change: c.131T>C on transcript NM_001009999.3 (MANE Select); coding-DNA position 131, T replaced by C.
Protein change: p.Leu44Pro; replaces leucine 44 with proline.
Molecular consequence: missense variant.
Genome position (GRCh38, 1-based): chr1:23,019,727, T>C. VCF-style: chr1-23019727-T-C. GRCh37 (hg19) VCF-style: chr1-23346220-T-C.
Other names: c.131T>C, p.Leu44Pro (NM_001363654.2, NM_015013.4); short protein forms L44P.
Identifiers: ClinVar variation 1028439 (VCV001028439.2), dbSNP rs1641551328, ClinGen allele CA338950826.
Genomic context (GRCh38, chr1:23,019,727, plus strand): 5'-GCCCTGGGACAGCAGGCGGCTCCGAGAACGGGTCTGAGGTGGCCGCGCAGCCCGCGGGCC[T>C]GTCGGGCCCAGCCGAGGTCGGGCCGGGGGCGGTGGGGGAGCGCACACCCCGCAAGAAAGA-3'
Protein context (NP_001009999.1, residues 34-54): GSEVAAQPAG[Leu44Pro]SGPAEVGPGA

ClinVar aggregate classification (germline): Uncertain significance. Review status: criteria provided, multiple submitters, no conflicts (2 of 4 stars). 2 submissions from 2 submitters: Uncertain significance (2). Last evaluated 2024-12-07.

Conditions:
Inborn genetic diseases. Identifiers: MedGen C0950123, MeSH D030342.
Palatal anomalies-widely spaced teeth-facial dysmorphism-developmental delay syndrome. Also called: Cleft palate, psychomotor retardation, and distinctive facial features. Identifiers: Orphanet 477993, MedGen C4225229, MONDO:0014751, OMIM 616728.

Allele frequency attached by ClinVar (database versions not stated): gnomAD 0.00001; gnomAD exomes 0.00001.
gnomAD v4.1: 9 of 1,327,184 alleles (0.00068%); highest among the groups gnomAD compares: Non-Finnish European, 0.00087%; no homozygotes.

Submissions (2):

Ambry Genetics
Classification: Uncertain significance for Inborn genetic diseases. Last evaluated: 2024-12-07. Review status: criteria provided, single submitter. Criteria: Ambry Variant Classification Scheme 2023. Collection method: clinical testing. Allele origin: germline.
Comment: The p.L44P variant (also known as c.131T>C), located in coding exon 1 of the KDM1A gene, results from a T to C substitution at nucleotide position 131. The leucine at codon 44 is replaced by proline, an amino acid with similar properties. This amino acid position is conserved. In addition, this alteration is predicted to be tolerated by in silico analysis. Based on the available evidence, the clinical significance of this variant remains unclear.

Baylor Genetics
Classification: Uncertain significance for Palatal anomalies-widely spaced teeth-facial dysmorphism-developmental delay syndrome. Last evaluated: 2020-04-24. Review status: criteria provided, single submitter. Criteria: ACMG Guidelines, 2015. Collection method: clinical testing. Allele origin: maternal. Affected: yes.
Comment: This variant was determined to be of uncertain significance according to ACMG Guidelines, 2015 [PMID:25741868].